The following is an entry in ClinVar:

NM_000088.4(COL1A1):c.2870A>G (p.Gln957Arg)

Gene: COL1A1 (collagen type I alpha 1 chain; minus strand). Cytogenetic location: 17q21.33.
Variant type: single nucleotide variant.
Coding change: c.2870A>G on transcript NM_000088.4 (MANE Select); coding-DNA position 2870, A replaced by G.
Protein change: p.Gln957Arg; replaces glutamine 957 with arginine.
Molecular consequence: missense variant.
Genome position (GRCh38, 1-based): chr17:50,189,235, T>C on the plus strand (A>G on the coding strand, the complement: COL1A1 is on the minus strand). VCF-style: chr17-50189235-T-C. GRCh37 (hg19) VCF-style: chr17-48266596-T-C.
Other names: short protein forms Q957R.
Identifiers: ClinVar variation 3634723 (VCV003634723.2).

ClinVar aggregate classification (germline): Uncertain significance (1 of 4 stars; one submission).

Conditions:
Osteogenesis imperfecta type I (OI1). Also called: Lobstein's Disease; Lobstein disease; Classic Non-deforming Osteogenesis Imperfecta with Blue Sclerae; OI, TYPE I; OSTEOGENESIS IMPERFECTA TARDA; OSTEOGENESIS IMPERFECTA WITH BLUE SCLERAE. Identifiers: Orphanet 216796, Orphanet 666, MedGen C0023931, MONDO:0008146, OMIM 166200. Disease mechanism: loss of function.

Submission:

Labcorp Genetics (formerly Invitae), Labcorp
Classification: Uncertain significance for Osteogenesis imperfecta type I. Last evaluated: 2025-01-13. Review status: criteria provided, single submitter. Criteria: Invitae Variant Classification Sherloc (09022015). Collection method: clinical testing. Allele origin: germline.
Comment: This sequence change replaces glutamine, which is neutral and polar, with arginine, which is basic and polar, at codon 957 of the COL1A1 protein (p.Gln957Arg). This variant is not present in population databases (gnomAD no frequency). This variant has not been reported in the literature in individuals affected with COL1A1-related conditions. Invitae Evidence Modeling of protein sequence and biophysical properties (such as structural, functional, and spatial information, amino acid conservation, physicochemical variation, residue mobility, and thermodynamic stability) indicates that this missense variant is not expected to disrupt COL1A1 protein function with a negative predictive value of 95%. In summary, the available evidence is currently insufficient to determine the role of this variant in disease. Therefore, it has been classified as a Variant of Uncertain Significance.